The following is an entry in ClinVar:

NM_016343.4(CENPF):c.5538G>A (p.Leu1846=)

Gene: CENPF (centromere protein F; plus strand). Cytogenetic location: 1q41.
Variant type: single nucleotide variant.
Coding change: c.5538G>A on transcript NM_016343.4 (MANE Select); coding-DNA position 5538, G replaced by A.
Protein change: p.Leu1846=; no amino-acid change (leucine 1846 retained).
Molecular consequence: synonymous variant.
Genome position (GRCh38, 1-based): chr1:214,645,108, G>A. VCF-style: chr1-214645108-G-A. GRCh37 (hg19) VCF-style: chr1-214818451-G-A.
Identifiers: ClinVar variation 2505912 (VCV002505912.5), dbSNP rs41277190, ClinGen allele CA1390807.

ClinVar aggregate classification (germline): Conflicting classifications of pathogenicity. Review status: criteria provided, conflicting classifications (1 of 4 stars). 3 submissions from 3 submitters: Uncertain significance (1); Likely benign (2). Last evaluated 2025-06-10.

Allele frequency attached by ClinVar (database versions not stated): ExAC 0.00007; gnomAD 0.00011; 1000 Genomes Project 30x 0.00016; TOPMed 0.00016.
gnomAD v4.1: 104 of 1,612,686 alleles (0.0064%); highest among the groups gnomAD compares: Admixed American, 0.077%; no homozygotes.

Submissions (3):

GeneDx
Classification: Uncertain significance. Last evaluated: 2025-06-10. Review status: criteria provided, single submitter. Criteria: GeneDx Variant Classification Process June 2021. Collection method: clinical testing. Allele origin: germline. Affected: yes.
Comment: In silico analysis suggests that this variant does not alter splicing; Has not been previously published as pathogenic or benign to our knowledge

Labcorp Genetics (formerly Invitae), Labcorp
Classification: Likely benign. Last evaluated: 2024-08-31. Review status: criteria provided, single submitter. Criteria: Invitae Variant Classification Sherloc (09022015). Collection method: clinical testing. Allele origin: germline.

Blueprint Genetics
Classification: Likely benign. Last evaluated: 2023-06-05. Review status: criteria provided, single submitter. Criteria: ACMG Guidelines, 2015. Collection method: clinical testing. Allele origin: germline.